The following is an entry in ClinVar:

ClinVar aggregate classification (germline): Uncertain significance (0 of 4 stars; one submission).

Conditions:
SEMA3A-related disorder. Also called: SEMA3A-related condition.

gnomAD v4.1: 5 of 1,613,786 alleles (0.00031%); highest among the groups gnomAD compares: African/African-American, 0.0013%; no homozygotes.

Submission:

PreventionGenetics, part of Exact Sciences
Classification: Uncertain significance for SEMA3A-related condition. Last evaluated: 2024-08-13. Review status: no assertion criteria provided. Collection method: clinical testing. Allele origin: germline.
Comment: The SEMA3A c.161G>A variant is predicted to result in the amino acid substitution p.Ser54Asn. To our knowledge, this variant has not been reported in the literature or in a large population database, indicating this variant is rare. Of note, a different substitution at the same codon, defined as c.160A>G (p.Ser54Gly), was reported as paternally inherited in an individual with Hirschsprung disease (Table 3 and Table S4 of Jiang et al. 2015. PubMed ID: 25839327; Jiang et al. 2012. PubMed ID: 21898659). At this time, the clinical significance of the c.161G>A (p.Ser54Asn) variant is uncertain due to the absence of conclusive functional and genetic evidence.

NM_006080.3(SEMA3A):c.161G>A (p.Ser54Asn)

Gene: SEMA3A (semaphorin 3A; minus strand). Cytogenetic location: 7q21.11.
Variant type: single nucleotide variant.
Coding change: c.161G>A on transcript NM_006080.3 (MANE Select); coding-DNA position 161, G replaced by A.
Protein change: p.Ser54Asn; replaces serine 54 with asparagine.
Molecular consequence: missense variant.
Genome position (GRCh38, 1-based): chr7:84,134,903, C>T on the plus strand (G>A on the coding strand, the complement: SEMA3A is on the minus strand). VCF-style: chr7-84134903-C-T. GRCh37 (hg19) VCF-style: chr7-83764219-C-T.
Other names: short protein forms S54N.
Identifiers: ClinVar variation 3345004 (VCV003345004.1).